The following is an entry in ClinVar:

ClinVar aggregate classification (germline): Uncertain significance. Review status: criteria provided, multiple submitters, no conflicts (2 of 4 stars). 2 submissions from 2 submitters: Uncertain significance (2). Last evaluated 2026-02-11.

Conditions:
Epidermolysis bullosa simplex 3, localized or generalized intermediate, with BP230 deficiency (EBS3). Also called: Epidermolysis bullosa simplex, autosomal recessive 2; Epidermolysis bullosa simplex due to BP230 deficiency. Identifiers: Orphanet 412181, MedGen C3809470, MONDO:0014180, OMIM 615425.
Hereditary sensory and autonomic neuropathy type 6. Also called: HSAN VI; Neuropathy, hereditary sensory and autonomic, type VI. Identifiers: Orphanet 314381, MedGen C3539003, MONDO:0013839, OMIM 614653.
DST-related disorder. Also called: DST-related condition; DST-related disorders.

Allele frequency attached by ClinVar (database versions not stated): gnomAD exomes 0.00001 and 0.00005; TOPMed 0.00006; ExAC 0.00007; gnomAD 0.00007; ESP Exome Variant Server 0.00008; 1000 Genomes Project 30x 0.00016; 1000 Genomes Project 0.00020.
gnomAD v4.1: 24 of 1,614,184 alleles (0.0015%); highest among the groups gnomAD compares: African/African-American, 0.023%; no homozygotes.

Submissions (2):

PreventionGenetics, part of Exact Sciences
Classification: Uncertain significance for DST-related condition. Last evaluated: 2026-02-11. Review status: criteria provided, single submitter. Criteria: ACMG Guidelines, 2015. Collection method: clinical testing. Allele origin: germline.
Comment: The DST c.2055C>G variant is predicted to result in the amino acid substitution p.Asn685Lys. To our knowledge, this variant has not been reported in the literature. This variant is reported in 0.032% of alleles in individuals of African descent in gnomAD. At this time, the clinical significance of this variant is uncertain due to the absence of conclusive functional and genetic evidence.

Labcorp Genetics (formerly Invitae), Labcorp
Classification: Uncertain significance for Epidermolysis bullosa simplex 3, localized or generalized intermediate, with BP230 deficiency; Hereditary sensory and autonomic neuropathy type 6. Last evaluated: 2024-04-26. Review status: criteria provided, single submitter. Criteria: Invitae Variant Classification Sherloc (09022015). Collection method: clinical testing. Allele origin: germline.
Comment: This sequence change replaces asparagine, which is neutral and polar, with lysine, which is basic and polar, at codon 181 of the DST protein (p.Asn181Lys). This variant is present in population databases (rs147659406, gnomAD 0.03%). This variant has not been reported in the literature in individuals affected with DST-related conditions. ClinVar contains an entry for this variant (Variation ID: 944713). An algorithm developed to predict the effect of missense changes on protein structure and function (PolyPhen-2) suggests that this variant is likely to be disruptive. In summary, the available evidence is currently insufficient to determine the role of this variant in disease. Therefore, it has been classified as a Variant of Uncertain Significance.

NM_001374736.1(DST):c.2154C>G (p.Asn718Lys)

Gene: DST (dystonin; minus strand). Cytogenetic location: 6p12.1.
Variant type: single nucleotide variant.
Coding change: c.2154C>G on transcript NM_001374736.1 (MANE Select); coding-DNA position 2154, C replaced by G.
Protein change: p.Asn718Lys; replaces asparagine 718 with lysine.
Molecular consequence: missense variant.
Genome position (GRCh38, 1-based): chr6:56,640,479, G>C on the plus strand (C>G on the coding strand, the complement: DST is on the minus strand). VCF-style: chr6-56640479-G-C. GRCh37 (hg19) VCF-style: chr6-56505277-G-C.
Other names: c.2055C>G, p.Asn685Lys (NM_001144769.5); c.1641C>G, p.Asn547Lys (NM_001144770.2); c.2154C>G, p.Asn718Lys (NM_001374722.1); c.1521C>G, p.Asn507Lys (NM_001374729.1, NM_001374730.1, NM_001386100.1 and 1 more transcripts); c.2181C>G, p.Asn727Lys (NM_001374734.1); c.543C>G, p.Asn181Lys (NM_001723.7, NM_015548.5); c.2055C>G (NM_001144769.2); short protein forms N547K, N685K, N181K, N507K, N718K, N727K.
Identifiers: ClinVar variation 944713 (VCV000944713.11), dbSNP rs147659406, ClinGen allele CA3871472.
Genomic context (GRCh38, chr6:56,640,479, plus strand): 5'-TGTTAAACTCTGGGTCAGCCCTGAGGTCAGACTAGGGTGTAAGGTCTGTGCAAATCCTGA[G>C]TTTAAACTTTGAGTGATTCCTGATATCATGAGCTTTGTCTGTTCTGTTGTCAGTATGCGT-3'
Protein context (NP_001361665.1, residues 708-728): LMISGITQSL[Asn718Lys]SGFAQTLHPS